The following is an entry in ClinVar:

ClinVar aggregate classification (germline): Uncertain significance (1 of 4 stars; one submission).

Conditions:
Primary dilated cardiomyopathy (DCM). Also called: Dilated Cardiomyopathy. Identifiers: Orphanet 217604, MedGen C0007193, MeSH D002311, MONDO:0005021, HP:0001644. Inheritance: Various modes of inheritance.

Allele frequency attached by ClinVar (database versions not stated): gnomAD exomes below 0.00001.

Submission:

Labcorp Genetics (formerly Invitae), Labcorp
Classification: Uncertain significance for Primary dilated cardiomyopathy. Last evaluated: 2023-01-10. Review status: criteria provided, single submitter. Criteria: Invitae Variant Classification Sherloc (09022015). Collection method: clinical testing. Allele origin: germline.
Comment: In summary, the available evidence is currently insufficient to determine the role of this variant in disease. Therefore, it has been classified as a Variant of Uncertain Significance. Algorithms developed to predict the effect of sequence changes on RNA splicing suggest that this variant may create or strengthen a splice site. Algorithms developed to predict the effect of missense changes on protein structure and function are either unavailable or do not agree on the potential impact of this missense change (SIFT: "Deleterious"; PolyPhen-2: "Probably Damaging"; Align-GVGD: "Class C0"). This variant has not been reported in the literature in individuals affected with NEBL-related conditions. This variant is not present in population databases (gnomAD no frequency). This sequence change replaces serine, which is neutral and polar, with asparagine, which is neutral and polar, at codon 371 of the NEBL protein (p.Ser371Asn).

NM_006393.3(NEBL):c.1112G>A (p.Ser371Asn)

Gene: NEBL (nebulette; minus strand). Cytogenetic location: 10p12.31.
Variant type: single nucleotide variant.
Coding change: c.1112G>A on transcript NM_006393.3 (MANE Select); coding-DNA position 1112, G replaced by A.
Protein change: p.Ser371Asn; replaces serine 371 with asparagine.
Molecular consequence: missense variant. On other transcripts: intron variant (9).
Genome position (GRCh38, 1-based): chr10:20,850,399, C>T on the plus strand (G>A on the coding strand, the complement: NEBL is on the minus strand). VCF-style: chr10-20850399-C-T. GRCh37 (hg19) VCF-style: chr10-21139328-C-T.
Other names: c.250-37459G>A (NM_001377326.1, NM_001377327.1, NM_001377328.1); c.358-37459G>A (NM_213569.2, NM_001173484.2, NM_001377322.1); c.301-37459G>A (NM_001377324.1); c.292-37459G>A (NM_001377325.1); c.310-37459G>A (NM_001377323.1); short protein forms S371N.
Identifiers: ClinVar variation 2798352 (VCV002798352.3), dbSNP rs1023373640, ClinGen allele CA204178618.